The following is an entry in ClinVar:

NM_001370259.2(MEN1):c.739_745del (p.Ile247fs)

Gene: MEN1 (menin 1; minus strand). Cytogenetic location: 11q13.1.
Variant type: Deletion.
Coding change: c.739_745del on transcript NM_001370259.2 (MANE Select); coding-DNA positions 739 to 745, 7 bases deleted (ATTGACC; older notation c.739_745delATTGACC).
Protein change: p.Ile247fs; shifts the reading frame from isoleucine 247.
Molecular consequence: frameshift variant.
Genome position (GRCh38, 1-based): chr11:64,807,590-64,807,596, GGTCAAT deleted on the plus strand (ATTGACC on the coding strand, the reverse complement: MEN1 is on the minus strand); deleting any 7 consecutive bases within chr11:64,807,590-64,807,598 gives the same sequence; the c. name uses the placement nearest the transcript's 3' end. VCF-style (leftmost placement, unchanged base first): chr11-64807589-AGGTCAAT-A. GRCh37 (hg19) VCF-style: chr11-64575061-AGGTCAAT-A.
Other names: c.739_745delATTGACC (NM_130799.2); c.754_760del, p.Ile252fs (NM_000244.4, NM_130800.3, NM_130801.3 and 3 more transcripts); c.739_745del, p.Ile247fs (NM_001370251.2, NM_001370260.2, NM_001370261.2 and 1 more transcripts); c.634_640del, p.Ile212fs (NM_001370262.2, NM_001370263.2); short protein forms I212fs, I247fs, I252fs.
Identifiers: ClinVar variation 457337 (VCV000457337.10), dbSNP rs1555165503, ClinGen allele CA658656173.

ClinVar aggregate classification (germline): Pathogenic (1 of 4 stars; one submission).

Conditions:
Multiple endocrine neoplasia, type 1 (MEN1). Also called: MEN I; WERMER SYNDROME; Endocrine adenomatosis multiple; MEN 1; MEA I. Identifiers: Orphanet 652, MedGen C0025267, MeSH D018761, MONDO:0007540, OMIM 131100.

Submission:

Labcorp Genetics (formerly Invitae), Labcorp
Classification: Pathogenic for Multiple endocrine neoplasia, type 1. Last evaluated: 2023-05-04. Review status: criteria provided, single submitter. Criteria: Invitae Variant Classification Sherloc (09022015). Collection method: clinical testing. Allele origin: germline.
Comment: For these reasons, this variant has been classified as Pathogenic. ClinVar contains an entry for this variant (Variation ID: 457337). This variant has not been reported in the literature in individuals affected with MEN1-related conditions. This variant is not present in population databases (gnomAD no frequency). This sequence change creates a premature translational stop signal (p.Ile247Cysfs*32) in the MEN1 gene. It is expected to result in an absent or disrupted protein product. Loss-of-function variants in MEN1 are known to be pathogenic (PMID: 12112656, 17853334).

Literature cited by the submitters: PubMed 12112656; PubMed 17853334.